The following is an entry in ClinVar:

ClinVar aggregate classification (germline): Likely benign. Review status: criteria provided, multiple submitters, no conflicts (2 of 4 stars). 3 submissions from 3 submitters: Likely benign (3). Last evaluated 2025-08-13.

Conditions:
Nephronophthisis. Also called: Juvenile Nephronophthisis. Identifiers: Orphanet 655, MedGen C0687120, MONDO:0019005, HP:0000090.
Jeune thoracic dystrophy. Also called: Infantile thoracic dystrophy; Thoracic pelvic phalangeal dystrophy; Jeune's syndrome; Chondroectodermal dysplasia-like syndrome; Jeune syndrome; Short-rib thoracic dysplasia. Identifiers: Orphanet 474, MedGen C0265275, MONDO:0018770.
TTC21B-related disorder. Also called: TTC21B-related condition; TTC21B-related disorders.

Allele frequency attached by ClinVar (database versions not stated): gnomAD 0.00001; gnomAD exomes 0.00001 and 0.00003; TOPMed 0.00002; ExAC 0.00004.
gnomAD v4.1: 24 of 1,613,510 alleles (0.0015%); highest among the groups gnomAD compares: South Asian, 0.0055%; no homozygotes.

Submissions (3):

Labcorp Genetics (formerly Invitae), Labcorp
Classification: Likely benign for Jeune thoracic dystrophy; Nephronophthisis. Last evaluated: 2025-08-13. Review status: criteria provided, single submitter. Criteria: Invitae Variant Classification Sherloc (09022015). Collection method: clinical testing. Allele origin: germline.

PreventionGenetics, part of Exact Sciences
Classification: Likely benign for TTC21B-related condition. Last evaluated: 2025-03-03. Review status: criteria provided, single submitter. Criteria: ACMG Guidelines, 2015. Collection method: clinical testing. Allele origin: germline.
Comment: This variant is classified as likely benign based on ACMG/AMP sequence variant interpretation guidelines (Richards et al. 2015 PMID: 25741868, with internal and published modifications).

GeneDx
Classification: Likely benign. Last evaluated: 2021-02-25. Review status: criteria provided, single submitter. Criteria: GeneDx Variant Classification Process June 2021. Collection method: clinical testing. Allele origin: germline. Affected: yes.

NM_024753.5(TTC21B):c.3936G>A (p.Ala1312=)

Gene: TTC21B (tetratricopeptide repeat domain 21B; minus strand). Cytogenetic location: 2q24.3.
Variant type: single nucleotide variant.
Coding change: c.3936G>A on transcript NM_024753.5 (MANE Select); coding-DNA position 3936, G replaced by A.
Protein change: p.Ala1312=; no amino-acid change (alanine 1312 retained).
Molecular consequence: synonymous variant.
Genome position (GRCh38, 1-based): chr2:165,874,770, C>T on the plus strand (G>A on the coding strand, the complement: TTC21B is on the minus strand). VCF-style: chr2-165874770-C-T. GRCh37 (hg19) VCF-style: chr2-166731280-C-T.
Identifiers: ClinVar variation 1329831 (VCV001329831.10), dbSNP rs201470854, ClinGen allele CA1941332.